The following is an entry in ClinVar:

NM_000529.2(MC2R):c.357del (p.Phe119fs)

Gene: MC2R (melanocortin 2 receptor; minus strand). Cytogenetic location: 18p11.21.
Variant type: Deletion.
Coding change: c.357del on transcript NM_000529.2 (MANE Select); coding-DNA position 357, one base deleted (C; older notation c.357delC).
Protein change: p.Phe119fs; shifts the reading frame from phenylalanine 119.
Molecular consequence: frameshift variant.
Genome position (GRCh38, 1-based): chr18:13,885,162, G deleted on the plus strand (C on the coding strand, the reverse complement: MC2R is on the minus strand). VCF-style (leftmost placement, unchanged base first): chr18-13885161-TG-T. GRCh37 (hg19) VCF-style: chr18-13885160-TG-T.
Other names: c.357del, p.Phe119fs (NM_001291911.1); short protein forms F119fs.
Identifiers: ClinVar variation 3903163 (VCV003903163.1).

ClinVar aggregate classification (germline): Likely pathogenic (1 of 4 stars; one submission).

Submission:

GeneDx
Classification: Likely pathogenic. Last evaluated: 2024-12-12. Review status: criteria provided, single submitter. Criteria: GeneDx Variant Classification Process June 2021. Collection method: clinical testing. Allele origin: germline. Affected: yes.
Comment: Frameshift variant predicted to result in abnormal protein length as the last 179 amino acid(s) are replaced with 4 different amino acid(s), and other similar variants have been reported in HGMD; Not observed at significant frequency in large population cohorts (gnomAD); This variant is associated with the following publications: (PMID: 9861547, 32952553, 11012566)